The following is an entry in ClinVar:

ClinVar aggregate classification (germline): Pathogenic (1 of 4 stars; one submission).

Conditions:
Cardiovascular phenotype. Identifiers: MedGen CN230736.

Submission:

Ambry Genetics
Classification: Pathogenic for Cardiovascular phenotype. Last evaluated: 2024-07-01. Review status: criteria provided, single submitter. Criteria: Ambry Variant Classification Scheme 2023. Collection method: clinical testing. Allele origin: germline.
Comment: The p.Q278* pathogenic mutation (also known as c.832C>T), located in coding exon 3 of the PKP2 gene, results from a C to T substitution at nucleotide position 832. This changes the amino acid from a glutamine to a stop codon within coding exon 3. This variant is considered to be rare based on population cohorts in the Genome Aggregation Database (gnomAD). This alteration is expected to result in loss of function by premature protein truncation or nonsense-mediated mRNA decay. As such, this alteration is interpreted as a disease-causing mutation.

NM_001005242.3(PKP2):c.832C>T (p.Gln278Ter)

Gene: PKP2 (plakophilin 2; minus strand). Cytogenetic location: 12p11.21.
Variant type: single nucleotide variant.
Coding change: c.832C>T on transcript NM_001005242.3 (MANE Select); coding-DNA position 832, C replaced by T.
Protein change: p.Gln278Ter; replaces glutamine 278 with a stop codon.
Molecular consequence: nonsense.
Genome position (GRCh38, 1-based): chr12:32,878,048, G>A on the plus strand (C>T on the coding strand, the complement: PKP2 is on the minus strand). VCF-style: chr12-32878048-G-A. GRCh37 (hg19) VCF-style: chr12-33030982-G-A.
Other names: c.832C>T, p.Gln278Ter (NM_001407155.1, NM_001407156.1, NM_001407157.1 and 2 more transcripts); c.505C>T, p.Gln169Ter (NM_001407158.1, NM_001407159.1, NM_001407160.1 and 1 more transcripts); short protein forms Q278*, Q169*.
Identifiers: ClinVar variation 3419514 (VCV003419514.1).
Genomic context (GRCh38, chr12:32,878,048, plus strand): 5'-TGCTGTGGAAGGAGCTCTGATGCCAGGAGGACCTGGAAGCCCTGTTCTGAGTGACGGGCT[G>A]CAGGGGCACCAGCGGCCTGACCTGCCCGACAGTGAGCCCTGCCGTCAGGTAGTTCTCCTT-3'